The following is an entry in ClinVar:

ClinVar aggregate classification (germline): Conflicting classifications of pathogenicity. Review status: criteria provided, conflicting classifications (1 of 4 stars). 2 submissions from 2 submitters: Uncertain significance (1); Likely benign (1). Last evaluated 2025-08-20.

Conditions:
Renal cell carcinoma. Identifiers: Orphanet 217071, MedGen C0007134, MeSH D002292, MONDO:0005086, HP:0005584.
Hereditary cancer-predisposing syndrome. Also called: Tumor predisposition; Hereditary neoplastic syndrome; Neoplastic Syndromes, Hereditary; Hereditary Cancer Syndrome. Identifiers: Orphanet 140162, MedGen C0027672, MeSH D009386, MONDO:0015356.

Submissions (2):

Ambry Genetics
Classification: Likely benign for Hereditary cancer-predisposing syndrome. Last evaluated: 2025-08-20. Review status: criteria provided, single submitter. Criteria: Ambry Variant Classification Scheme 2023. Collection method: clinical testing. Allele origin: germline.

Labcorp Genetics (formerly Invitae), Labcorp
Classification: Uncertain significance for Renal cell carcinoma. Last evaluated: 2023-07-25. Review status: criteria provided, single submitter. Criteria: Invitae Variant Classification Sherloc (09022015). Collection method: clinical testing. Allele origin: germline.
Comment: This sequence change replaces serine, which is neutral and polar, with proline, which is neutral and non-polar, at codon 473 of the MET protein (p.Ser473Pro). This variant is not present in population databases (gnomAD no frequency). This variant has not been reported in the literature in individuals affected with MET-related conditions. ClinVar contains an entry for this variant (Variation ID: 1424954). Algorithms developed to predict the effect of missense changes on protein structure and function output the following: SIFT: "Not Available"; PolyPhen-2: "Benign"; Align-GVGD: "Not Available". The proline amino acid residue is found in multiple mammalian species, which suggests that this missense change does not adversely affect protein function. In summary, the available evidence is currently insufficient to determine the role of this variant in disease. Therefore, it has been classified as a Variant of Uncertain Significance.

NM_000245.4(MET):c.1417T>C (p.Ser473Pro)

Gene: MET (MET proto-oncogene, receptor tyrosine kinase; plus strand). Cytogenetic location: 7q31.2.
Variant type: single nucleotide variant.
Coding change: c.1417T>C on transcript NM_000245.4 (MANE Select); coding-DNA position 1417, T replaced by C.
Protein change: p.Ser473Pro; replaces serine 473 with proline.
Molecular consequence: missense variant.
Genome position (GRCh38, 1-based): chr7:116,739,974, T>C. VCF-style: chr7-116739974-T-C. GRCh37 (hg19) VCF-style: chr7-116380028-T-C.
Other names: c.1417T>C, p.Ser473Pro (NM_001127500.3, NM_001324401.3); c.127T>C, p.Ser43Pro (NM_001324402.2); short protein forms S43P, S473P.
Identifiers: ClinVar variation 1424954 (VCV001424954.9), dbSNP rs2116826038, ClinGen allele CA368974049.